The following is an entry in ClinVar:

ClinVar aggregate classification (germline): Uncertain significance (1 of 4 stars; one submission).

Submission:

Labcorp Genetics (formerly Invitae), Labcorp
Classification: Uncertain significance. Last evaluated: 2024-10-07. Review status: criteria provided, single submitter. Criteria: Invitae Variant Classification Sherloc (09022015). Collection method: clinical testing. Allele origin: germline.
Comment: This sequence change replaces methionine, which is neutral and non-polar, with isoleucine, which is neutral and non-polar, at codon 1484 of the SON protein (p.Met1484Ile). This variant is not present in population databases (gnomAD no frequency). This variant has not been reported in the literature in individuals affected with SON-related conditions. An algorithm developed to predict the effect of missense changes on protein structure and function outputs the following: PolyPhen-2: "Benign". The isoleucine amino acid residue is found in multiple mammalian species, which suggests that this missense change does not adversely affect protein function. In summary, the available evidence is currently insufficient to determine the role of this variant in disease. Therefore, it has been classified as a Variant of Uncertain Significance.

NM_138927.4(SON):c.4452G>A (p.Met1484Ile)

Gene: SON (SON DNA and RNA binding protein; plus strand). Cytogenetic location: 21q22.11.
Variant type: single nucleotide variant.
Coding change: c.4452G>A on transcript NM_138927.4 (MANE Select); coding-DNA position 4452, G replaced by A.
Protein change: p.Met1484Ile; replaces methionine 1484 with isoleucine.
Molecular consequence: missense variant. On other transcripts: non-coding transcript variant (1), intron variant (1).
Genome position (GRCh38, 1-based): chr21:33,553,683, G>A. VCF-style: chr21-33553683-G-A. GRCh37 (hg19) VCF-style: chr21-34925989-G-A.
Other names: c.4452G>A, p.Met1484Ile (NM_001291411.2, NM_032195.3); c.245-3473G>A (NM_001291412.3); short protein forms M1484I.
Identifiers: ClinVar variation 3722407 (VCV003722407.2).
Genomic context (GRCh38, chr21:33,553,683, plus strand): 5'-GGTGGCTATAGAGTCCACACCAATGATACTGGAATCTAGTATCATGTCATCACATGTTAT[G>A]AAAGGAATTAATCTATCCTCTGGTGATCAAAATCTTGCTCCAGAGATTGGCATGCAGGAG-3'
Protein context (NP_620305.3, residues 1474-1494): LESSIMSSHV[Met1484Ile]KGINLSSGDQ